The following is an entry in ClinVar:

ClinVar aggregate classification (germline): Likely benign (0 of 4 stars; one submission).

Conditions:
EP300-related disorder. Also called: EP300-related disorders; EP300-related condition.

gnomAD v4.1: 24 of 1,614,086 alleles (0.0015%); highest among the groups gnomAD compares: Non-Finnish European, 0.0019%; no homozygotes.

Submission:

PreventionGenetics, part of Exact Sciences
Classification: Likely benign for EP300-related condition. Last evaluated: 2024-04-05. Review status: no assertion criteria provided. Collection method: clinical testing. Allele origin: germline.
Comment: This variant is classified as likely benign based on ACMG/AMP sequence variant interpretation guidelines (Richards et al. 2015 PMID: 25741868, with internal and published modifications).

NM_001429.4(EP300):c.5691C>G (p.Ser1897=)

Gene: EP300 (E1A binding protein p300; plus strand). Cytogenetic location: 22q13.2.
Variant type: single nucleotide variant.
Coding change: c.5691C>G on transcript NM_001429.4 (MANE Select); coding-DNA position 5691, C replaced by G.
Protein change: p.Ser1897=; no amino-acid change (serine 1897 retained).
Molecular consequence: synonymous variant.
Genome position (GRCh38, 1-based): chr22:41,177,402, C>G. VCF-style: chr22-41177402-C-G. GRCh37 (hg19) VCF-style: chr22-41573406-C-G.
Other names: c.5613C>G, p.Ser1871= (NM_001362843.2).
Identifiers: ClinVar variation 3355565 (VCV003355565.1).